The following is an entry in ClinVar:

ClinVar aggregate classification (germline): Uncertain significance (1 of 4 stars; one submission).

Submission:

Labcorp Genetics (formerly Invitae), Labcorp
Classification: Uncertain significance. Last evaluated: 2022-07-30. Review status: criteria provided, single submitter. Criteria: Invitae Variant Classification Sherloc (09022015). Collection method: clinical testing. Allele origin: germline.
Comment: Algorithms developed to predict the effect of missense changes on protein structure and function (SIFT, PolyPhen-2, Align-GVGD) all suggest that this variant is likely to be tolerated. This variant has not been reported in the literature in individuals affected with CLCC1-related conditions. This variant is not present in population databases (gnomAD no frequency). This sequence change replaces tyrosine, which is neutral and polar, with asparagine, which is neutral and polar, at codon 76 of the CLCC1 protein (p.Tyr76Asn). In summary, the available evidence is currently insufficient to determine the role of this variant in disease. Therefore, it has been classified as a Variant of Uncertain Significance.

NM_001377458.1(CLCC1):c.226T>A (p.Tyr76Asn)

Gene: CLCC1 (chloride channel CLIC like 1; minus strand). Cytogenetic location: 1p13.3.
Variant type: single nucleotide variant.
Coding change: c.226T>A on transcript NM_001377458.1 (MANE Select); coding-DNA position 226, T replaced by A.
Protein change: p.Tyr76Asn; replaces tyrosine 76 with asparagine.
Molecular consequence: missense variant. On other transcripts: non-coding transcript variant (1), intron variant (1), 5 prime UTR variant (1).
Genome position (GRCh38, 1-based): chr1:108,949,825, A>T on the plus strand (T>A on the coding strand, the complement: CLCC1 is on the minus strand). VCF-style: chr1-108949825-A-T. GRCh37 (hg19) VCF-style: chr1-109492447-A-T.
Other names: c.226T>A, p.Tyr76Asn (NM_015127.5, NM_001048210.3, NM_001278202.2 and 11 more transcripts); c.129+484T>A (NM_001377469.1); c.-237T>A (NM_001377470.1); short protein forms Y76N.
Identifiers: ClinVar variation 1714305 (VCV001714305.5), dbSNP rs1020161832, ClinGen allele CA341466126.